The following is an entry in ClinVar:

NM_003664.5(AP3B1):c.176A>G (p.Lys59Arg)

Gene: AP3B1 (adaptor related protein complex 3 subunit beta 1; minus strand). Cytogenetic location: 5q14.1.
Variant type: single nucleotide variant.
Coding change: c.176A>G on transcript NM_003664.5 (MANE Select); coding-DNA position 176, A replaced by G.
Protein change: p.Lys59Arg; replaces lysine 59 with arginine.
Molecular consequence: missense variant.
Genome position (GRCh38, 1-based): chr5:78,267,548, T>C on the plus strand (A>G on the coding strand, the complement: AP3B1 is on the minus strand). VCF-style: chr5-78267548-T-C. GRCh37 (hg19) VCF-style: chr5-77563372-T-C.
Other names: c.29A>G, p.Lys10Arg (NM_001271769.2); short protein forms K59R, K10R.
Identifiers: ClinVar variation 657086 (VCV000657086.8), dbSNP rs1300050218, ClinGen allele CA360334082.
Genomic context (GRCh38, chr5:78,267,548, plus strand): 5'-CCAAAATTGAAGTAAATGAGTATTTTACCTACCCCAACAATCCGCTTCATAGCATCCAGT[T>C]TAGCAGAATCTTTGTTGCTCTCTAACATTTGCTTTAGATCTTCATTCCTATTACAAAAGA-3'
Protein context (NP_003655.3, residues 49-69): QMLESNKDSA[Lys59Arg]LDAMKRIVGM

ClinVar aggregate classification (germline): Uncertain significance (1 of 4 stars; one submission).

Conditions:
Hermansky-Pudlak syndrome 2 (HPS2). Also called: Platelet defects and oculocutaneous albinism. Identifiers: Orphanet 183678, Orphanet 79430, MedGen C1842362, MONDO:0011997, OMIM 608233.

Allele frequency attached by ClinVar (database versions not stated): gnomAD exomes below 0.00001 and 0.00001; TOPMed below 0.00001; gnomAD 0.00001.
gnomAD v4.1: 4 of 1,611,736 alleles (0.00025%); highest among the groups gnomAD compares: Admixed American, 0.0017%; no homozygotes.

Submission:

Labcorp Genetics (formerly Invitae), Labcorp
Classification: Uncertain significance for Hermansky-Pudlak syndrome 2. Last evaluated: 2018-12-04. Review status: criteria provided, single submitter. Criteria: Invitae Variant Classification Sherloc (09022015). Collection method: clinical testing. Allele origin: germline.
Comment: This sequence change replaces lysine with arginine at codon 59 of the AP3B1 protein (p.Lys59Arg). The lysine residue is moderately conserved and there is a small physicochemical difference between lysine and arginine. This variant is not present in population databases (ExAC no frequency). This variant has not been reported in the literature in individuals with AP3B1-related conditions. Algorithms developed to predict the effect of missense changes on protein structure and function are either unavailable or do not agree on the potential impact of this missense change (SIFT: "Tolerated"; PolyPhen-2: "Possibly Damaging"; Align-GVGD: "Class C0"). In summary, the available evidence is currently insufficient to determine the role of this variant in disease. Therefore, it has been classified as a Variant of Uncertain Significance.